The following is an entry in ClinVar:

ClinVar aggregate classification (germline): Uncertain significance. Review status: criteria provided, multiple submitters, no conflicts (2 of 4 stars). 2 submissions from 2 submitters: Uncertain significance (2). Last evaluated 2024-12-08.

Conditions:
Inborn genetic diseases. Identifiers: MedGen C0950123, MeSH D030342.

Allele frequency attached by ClinVar (database versions not stated): gnomAD exomes below 0.00001; TOPMed below 0.00001; 1000 Genomes Project 30x 0.00016; 1000 Genomes Project 0.00020.
gnomAD v4.1: 15 of 1,612,994 alleles (0.00093%); highest among the groups gnomAD compares: East Asian, 0.025%; no homozygotes.

Submissions (2):

Ambry Genetics
Classification: Uncertain significance for Inborn genetic diseases. Last evaluated: 2024-12-08. Review status: criteria provided, single submitter. Criteria: Ambry Variant Classification Scheme 2023. Collection method: clinical testing. Allele origin: germline.
Comment: The p.V399L variant (also known as c.1195G>C), located in coding exon 7 of the ERCC6L2 gene, results from a G to C substitution at nucleotide position 1195. The valine at codon 399 is replaced by leucine, an amino acid with highly similar properties. This amino acid position is conserved. In addition, the in silico prediction for this alteration is inconclusive. Based on the available evidence, the clinical significance of this variant remains unclear.

Labcorp Genetics (formerly Invitae), Labcorp
Classification: Uncertain significance. Last evaluated: 2024-01-02. Review status: criteria provided, single submitter. Criteria: Invitae Variant Classification Sherloc (09022015). Collection method: clinical testing. Allele origin: germline.
Comment: This sequence change replaces valine, which is neutral and non-polar, with leucine, which is neutral and non-polar, at codon 410 of the ERCC6L2 protein (p.Val410Leu). This variant is not present in population databases (gnomAD no frequency). This variant has not been reported in the literature in individuals affected with ERCC6L2-related conditions. ClinVar contains an entry for this variant (Variation ID: 1496322). Experimental studies and prediction algorithms are not available or were not evaluated, and the functional significance of this variant is currently unknown. In summary, the available evidence is currently insufficient to determine the role of this variant in disease. Therefore, it has been classified as a Variant of Uncertain Significance.

NM_020207.7(ERCC6L2):c.1195G>C (p.Val399Leu)

Gene: ERCC6L2 (ERCC excision repair 6 like 2; plus strand). Cytogenetic location: 9q22.32.
Variant type: single nucleotide variant.
Coding change: c.1195G>C on transcript NM_020207.7 (MANE Select); coding-DNA position 1195, G replaced by C.
Protein change: p.Val399Leu; replaces valine 399 with leucine.
Molecular consequence: missense variant. On other transcripts: non-coding transcript variant (1).
Genome position (GRCh38, 1-based): chr9:95,921,211, G>C. VCF-style: chr9-95921211-G-C. GRCh37 (hg19) VCF-style: chr9-98683493-G-C.
Other names: c.1195G>C, p.Val399Leu (NM_001010895.4, NM_001375291.1, NM_001375292.1 and 2 more transcripts); short protein forms V399L.
Identifiers: ClinVar variation 1496322 (VCV001496322.7), dbSNP rs142685145, ClinGen allele CA196574597.